The following is an entry in ClinVar:

ClinVar aggregate classification (germline): Uncertain significance (1 of 4 stars; one submission).

Conditions:
Gorlin syndrome. Also called: Nevoid Basal Cell Carcinoma Syndrome; Basal cell nevus syndrome. Identifiers: Orphanet 377, MedGen C0004779, MONDO:0007187.
Medulloblastoma (MDB). Also called: MEDULLOBLASTOMA PREDISPOSITION SYNDROME; Medulloblastoma, somatic. Identifiers: Orphanet 616, MedGen C0025149, MeSH D008527, MONDO:0007959, OMIM 155255, HP:0002885.

Submission:

Labcorp Genetics (formerly Invitae), Labcorp
Classification: Uncertain significance for Gorlin syndrome; Medulloblastoma. Last evaluated: 2024-03-25. Review status: criteria provided, single submitter. Criteria: Invitae Variant Classification Sherloc (09022015). Collection method: clinical testing. Allele origin: germline.
Comment: This sequence change replaces serine, which is neutral and polar, with arginine, which is basic and polar, at codon 279 of the SUFU protein (p.Ser279Arg). This variant is not present in population databases (gnomAD no frequency). This variant has not been reported in the literature in individuals affected with SUFU-related conditions. ClinVar contains an entry for this variant (Variation ID: 571310). Advanced modeling of protein sequence and biophysical properties (such as structural, functional, and spatial information, amino acid conservation, physicochemical variation, residue mobility, and thermodynamic stability) performed at Invitae indicates that this missense variant is not expected to disrupt SUFU protein function with a negative predictive value of 80%. In summary, the available evidence is currently insufficient to determine the role of this variant in disease. Therefore, it has been classified as a Variant of Uncertain Significance.

NM_016169.4(SUFU):c.837C>G (p.Ser279Arg)

Gene: SUFU (SUFU negative regulator of hedgehog signaling; plus strand). Cytogenetic location: 10q24.32.
Variant type: single nucleotide variant.
Coding change: c.837C>G on transcript NM_016169.4 (MANE Select); coding-DNA position 837, C replaced by G.
Protein change: p.Ser279Arg; replaces serine 279 with arginine.
Molecular consequence: missense variant.
Genome position (GRCh38, 1-based): chr10:102,597,220, C>G. VCF-style: chr10-102597220-C-G. GRCh37 (hg19) VCF-style: chr10-104356977-C-G.
Other names: c.837C>G, p.Ser279Arg (NM_001178133.2); short protein forms S279R.
Identifiers: ClinVar variation 571310 (VCV000571310.9), dbSNP rs1564698718, ClinGen allele CA377910564.